The following is an entry in ClinVar:

NM_004655.4(AXIN2):c.292_296del (p.Phe98fs)

Gene: AXIN2 (axin 2; minus strand). Cytogenetic location: 17q24.1.
Variant type: Deletion.
Coding change: c.292_296del on transcript NM_004655.4 (MANE Select); coding-DNA positions 292 to 296, 5 bases deleted (TTCCT; older notation c.292_296delTTCCT).
Protein change: p.Phe98fs; shifts the reading frame from phenylalanine 98.
Molecular consequence: frameshift variant.
Genome position (GRCh38, 1-based): chr17:65,558,325-65,558,329, AGGAA deleted on the plus strand (TTCCT on the coding strand, the reverse complement: AXIN2 is on the minus strand); deleting any 5 consecutive bases within chr17:65,558,325-65,558,331 gives the same sequence; the c. name uses the placement nearest the transcript's 3' end. VCF-style (leftmost placement, unchanged base first): chr17-65558324-CAGGAA-C. GRCh37 (hg19) VCF-style: chr17-63554442-CAGGAA-C.
Other names: c.292_296del, p.Phe98fs (NM_001363813.1); c.292_296delTTCCT (NM_004655.3); short protein forms F98fs.
Identifiers: ClinVar variation 3980979 (VCV003980979.1).

ClinVar aggregate classification (germline): Pathogenic (1 of 4 stars; one submission).

Conditions:
Hereditary cancer-predisposing syndrome. Also called: Tumor predisposition; Hereditary neoplastic syndrome; Neoplastic Syndromes, Hereditary; Hereditary Cancer Syndrome. Identifiers: Orphanet 140162, MedGen C0027672, MeSH D009386, MONDO:0015356.

Submission:

Ambry Genetics
Classification: Pathogenic for Hereditary cancer-predisposing syndrome. Last evaluated: 2025-05-03. Review status: criteria provided, single submitter. Criteria: Ambry Variant Classification Scheme 2023. Collection method: clinical testing. Allele origin: germline.
Comment: The c.292_296delTTCCT pathogenic mutation, located in coding exon 1 of the AXIN2 gene, results from a deletion of 5 nucleotides at nucleotide positions 292 to 296, causing a translational frameshift with a predicted alternate stop codon (p.F98Gfs*41). This variant is considered to be rare based on population cohorts in the Genome Aggregation Database (gnomAD). This alteration is expected to result in loss of function by premature protein truncation or nonsense-mediated mRNA decay. As such, this alteration is interpreted as a disease-causing mutation.